The following is an entry in ClinVar:

ClinVar aggregate classification (germline): Conflicting classifications of pathogenicity. Review status: criteria provided, conflicting classifications (1 of 4 stars). 3 submissions from 3 submitters: Uncertain significance (2); Likely benign (1). Last evaluated 2025-04-17.

Conditions:
Cardiovascular phenotype. Identifiers: MedGen CN230736.
Long QT syndrome (LQTS). Identifiers: MedGen C0023976, MeSH D008133, MONDO:0002442. Disease mechanism: loss of function. Inheritance: Various modes of inheritance.

Allele frequency attached by ClinVar (database versions not stated): gnomAD exomes 0.00001; gnomAD 0.00002; TOPMed 0.00002.
gnomAD v4.1: 13 of 1,604,734 alleles (0.00081%); highest among the groups gnomAD compares: East Asian, 0.0045%; no homozygotes.

Submissions (3):

Labcorp Genetics (formerly Invitae), Labcorp
Classification: Likely benign for Long QT syndrome. Last evaluated: 2025-04-17. Review status: criteria provided, single submitter. Criteria: Invitae Variant Classification Sherloc (09022015). Collection method: clinical testing. Allele origin: germline.

GeneDx
Classification: Uncertain significance. Last evaluated: 2024-05-14. Review status: criteria provided, single submitter. Criteria: GeneDx Variant Classification Process June 2021. Collection method: clinical testing. Allele origin: germline. Affected: yes.
Comment: Not observed at significant frequency in large population cohorts (gnomAD); In silico analysis indicates that this missense variant does not alter protein structure/function; Has not been previously published as pathogenic or benign to our knowledge

Ambry Genetics
Classification: Uncertain significance for Cardiovascular phenotype. Last evaluated: 2017-05-31. Review status: criteria provided, single submitter. Criteria: Ambry Variant Classification Scheme 2023. Collection method: clinical testing. Allele origin: germline.
Comment: The p.A154T variant (also known as c.460G>A), located in coding exon 3 of the CACNA1C gene, results from a G to A substitution at nucleotide position 460. The alanine at codon 154 is replaced by threonine, an amino acid with similar properties. This amino acid position is well conserved in available vertebrate species. In addition, the in silico prediction for this alteration is inconclusive. Since supporting evidence is limited at this time, the clinical significance of this alteration remains unclear.

NM_000719.7(CACNA1C):c.460G>A (p.Ala154Thr)

Gene: CACNA1C (calcium voltage-gated channel subunit alpha1 C; plus strand). Cytogenetic location: 12p13.33.
Variant type: single nucleotide variant.
Coding change: c.460G>A on transcript NM_000719.7 (MANE Select); coding-DNA position 460, G replaced by A.
Protein change: p.Ala154Thr; replaces alanine 154 with threonine.
Molecular consequence: missense variant.
Genome position (GRCh38, 1-based): chr12:2,120,413, G>A. VCF-style: chr12-2120413-G-A. GRCh37 (hg19) VCF-style: chr12-2229579-G-A.
Other names: c.460G>A, p.Ala154Thr (NM_001129830.3, NM_001129831.2, NM_001129832.2 and 19 more transcripts); short protein forms A154T.
Identifiers: ClinVar variation 423695 (VCV000423695.14), dbSNP rs1064796583, ClinGen allele CA16619497.